The following is an entry in ClinVar:

NM_000124.4(ERCC6):c.3676del (p.Leu1225_Val1226insTer)

Gene: ERCC6 (ERCC excision repair 6, chromatin remodeling factor; minus strand). Cytogenetic location: 10q11.23.
Variant type: Deletion.
Coding change: c.3676del on transcript NM_000124.4 (MANE Select); coding-DNA position 3676, one base deleted (G; older notation c.3676delG).
Protein change: p.Leu1225_Val1226insTer.
Molecular consequence: nonsense.
Genome position (GRCh38, 1-based): chr10:49,470,284, C deleted on the plus strand (G on the coding strand, the reverse complement: ERCC6 is on the minus strand); the first of 2 consecutive C bases (chr10:49,470,284-49,470,285); deleting either gives the same sequence. VCF-style (leftmost placement, unchanged base first): chr10-49470283-AC-A. GRCh37 (hg19) VCF-style: chr10-50678329-AC-A.
Other names: c.3676del, p.Leu1225_Val1226insTer (NM_001346440.2).
Identifiers: ClinVar variation 4727536 (VCV004727536.1).

ClinVar aggregate classification (germline): Pathogenic (1 of 4 stars; one submission).

Submission:

Labcorp Genetics (formerly Invitae), Labcorp
Classification: Pathogenic. Last evaluated: 2025-12-15. Review status: criteria provided, single submitter. Criteria: Invitae Variant Classification Sherloc (09022015). Collection method: clinical testing. Allele origin: germline.
Comment: This sequence change creates a premature translational stop signal (p.Val1226*) in the ERCC6 gene. It is expected to result in an absent or disrupted protein product. Loss-of-function variants in ERCC6 are known to be pathogenic (PMID: 18628313, 29572252). This variant is not present in population databases (gnomAD no frequency). This variant has not been reported in the literature in individuals affected with ERCC6-related conditions. For these reasons, this variant has been classified as Pathogenic.

Literature cited by the submitters: PubMed 18628313; PubMed 29572252.